The following is an entry in ClinVar:

ClinVar aggregate classification (germline): Uncertain significance (1 of 4 stars; one submission).

Submission:

Labcorp Genetics (formerly Invitae), Labcorp
Classification: Uncertain significance. Last evaluated: 2025-08-01. Review status: criteria provided, single submitter. Criteria: Invitae Variant Classification Sherloc (09022015). Collection method: clinical testing. Allele origin: germline.
Comment: This sequence change replaces methionine, which is neutral and non-polar, with arginine, which is basic and polar, at codon 24 of the SLC51B protein (p.Met24Arg). This variant is not present in population databases (gnomAD no frequency). This variant has not been reported in the literature in individuals affected with SLC51B-related conditions. ClinVar contains an entry for this variant (Variation ID: 2017551). An algorithm developed to predict the effect of missense changes on protein structure and function (PolyPhen-2) suggests that this variant is likely to be disruptive. In summary, the available evidence is currently insufficient to determine the role of this variant in disease. Therefore, it has been classified as a Variant of Uncertain Significance.

NM_178859.4(SLC51B):c.71T>G (p.Met24Arg)

Genes: RASL12 (RAS like family 12; minus strand), SLC51B (SLC51 subunit beta; plus strand). Cytogenetic location: 15q22.31.
Variant type: single nucleotide variant.
Coding change: c.71T>G on transcript NM_178859.4 (MANE Select); coding-DNA position 71, T replaced by G.
Protein change: p.Met24Arg; replaces methionine 24 with arginine.
Molecular consequence: missense variant.
Genome position (GRCh38, 1-based): chr15:65,050,075, T>G. VCF-style: chr15-65050075-T-G. GRCh37 (hg19) VCF-style: chr15-65342413-T-G.
Other names: short protein forms M24R.
Identifiers: ClinVar variation 2017551 (VCV002017551.4), dbSNP rs1483414364, ClinGen allele CA392871117.